The following is an entry in ClinVar:

NM_007294.4(BRCA1):c.72T>A (p.Cys24Ter)

Gene: BRCA1 (BRCA1 DNA repair associated; minus strand). Cytogenetic location: 17q21.31.
Variant type: single nucleotide variant.
Coding change: c.72T>A on transcript NM_007294.4 (MANE Select); coding-DNA position 72, T replaced by A.
Protein change: p.Cys24Ter; replaces cysteine 24 with a stop codon.
Molecular consequence: nonsense. On other transcripts: 5 prime UTR variant (1), non-coding transcript variant (1).
Genome position (GRCh38, 1-based): chr17:43,124,025, A>T on the plus strand (T>A on the coding strand, the complement: BRCA1 is on the minus strand). VCF-style: chr17-43124025-A-T. GRCh37 (hg19) VCF-style: chr17-41276042-A-T.
Other names: c.-186T>A (NM_001408456.1, NM_001408468.1, NM_001408501.1 and 11 more transcripts); c.-16T>A (NM_001408459.1, NM_001408460.1, NM_001408461.1 and 23 more transcripts); c.-189T>A (NM_001408462.1, NM_001408463.1, NM_001408466.1 and 22 more transcripts); c.-190T>A (NM_001408465.1, NM_001407695.1); c.72T>A, p.Cys24Ter (NM_001408472.1, NM_001408473.1, NM_001408474.1 and 193 more transcripts); c.-117T>A (NM_001408478.1, NM_001408479.1, NM_001408480.1 and 46 more transcripts); c.-262T>A (NM_001408482.1); c.-233T>A (NM_001408492.1, NM_001407889.1); and 8 more; short protein forms C24*.
Identifiers: ClinVar variation 868782 (VCV000868782.6), dbSNP rs1597923232, ClinGen allele CA10602013.

ClinVar aggregate classification (germline): Pathogenic/Likely pathogenic. Review status: criteria provided, multiple submitters, no conflicts (2 of 4 stars). 2 submissions from 2 submitters: Pathogenic (1); Likely pathogenic (1). Last evaluated 2024-12-19.

Conditions:
Hereditary breast ovarian cancer syndrome. Also called: Hereditary breast and ovarian cancer; Hereditary breast and ovarian cancer syndrome (HBOC); Breast and ovarian cancer; Hereditary breast and/or ovarian cancer syndrome; BRCA1- and BRCA2-Associated Hereditary Breast and Ovarian Cancer; Hereditary breast and ovarian cancer syndrome. Identifiers: Orphanet 145, MedGen C0677776, MeSH D061325, MONDO:0003582. Disease mechanism: loss of function.

Submissions (3):

Labcorp Genetics (formerly Invitae), Labcorp
Classification: Pathogenic for Hereditary breast ovarian cancer syndrome. Last evaluated: 2024-12-19. Review status: criteria provided, single submitter. Criteria: Invitae Variant Classification Sherloc (09022015). Collection method: clinical testing. Allele origin: germline.
Comment: This sequence change creates a premature translational stop signal (p.Cys24*) in the BRCA1 gene. It is expected to result in an absent or disrupted protein product. Loss-of-function variants in BRCA1 are known to be pathogenic (PMID: 20104584). This variant is not present in population databases (gnomAD no frequency). This variant has not been reported in the literature in individuals affected with BRCA1-related conditions. ClinVar contains an entry for this variant (Variation ID: 868782). For these reasons, this variant has been classified as Pathogenic.

Revvity Omics, Revvity
Classification: Likely pathogenic. Last evaluated: 2024-11-27. Review status: criteria provided, single submitter. Criteria: ACMG Guidelines, 2015. Collection method: clinical testing. Allele origin: germline.

Brotman Baty Institute, University of Washington
No classification provided (evidence only). Condition: Breast-ovarian cancer, familial 1. Review status: no classification provided. Collection method: in vitro. Allele origin: not applicable. Functional consequence: functionally_abnormal. Not counted in ClinVar's aggregate classification.
ClinVar note: "not provided" was previously submitted as the classification for the variant. However, the classification appeared to be based only on an observation of functional data so it was converted to no classification on 2025-07-30.

Literature cited by the submitters: PubMed 20104584 (cited by Labcorp Genetics (formerly Invitae), Labcorp).